The following is an entry in ClinVar:

NM_000257.4(MYH7):c.3138G>A (p.Met1046Ile)

Gene: MYH7 (myosin heavy chain 7; minus strand). Cytogenetic location: 14q11.2.
Variant type: single nucleotide variant.
Coding change: c.3138G>A on transcript NM_000257.4 (MANE Select); coding-DNA position 3138, G replaced by A.
Protein change: p.Met1046Ile; replaces methionine 1046 with isoleucine.
Molecular consequence: missense variant.
Genome position (GRCh38, 1-based): chr14:23,422,287, C>T on the plus strand (G>A on the coding strand, the complement: MYH7 is on the minus strand). VCF-style: chr14-23422287-C-T. GRCh37 (hg19) VCF-style: chr14-23891496-C-T.
Other names: short protein forms M1046I.
Identifiers: ClinVar variation 228907 (VCV000228907.16), dbSNP rs201195256, ClinGen allele CA035844.

ClinVar aggregate classification (germline): Uncertain significance. Review status: criteria provided, multiple submitters, no conflicts (2 of 4 stars). 5 submissions from 5 submitters: Uncertain significance (5). Last evaluated 2025-09-10.

Conditions:
Myosin storage myopathy (CMYO7A). Also called: MYH7-related late-onset scapuloperoneal muscular dystrophy; Congenital myopathy 7A, myosin storage, autosomal dominant; SCAPULOPERONEAL MUSCULAR DYSTROPHY; SCAPULOPERONEAL SYNDROME, MYOPATHIC TYPE; MYOPATHY WITH LYSIS OF TYPE I MYOFIBRILS; MYOPATHY, HYALINE BODY, AUTOSOMAL DOMINANT. Identifiers: Orphanet 437572, Orphanet 636965, MedGen C1842160, MONDO:0008409, OMIM 608358.
Cardiomyopathy (CMYO). Also called: Cardiomyopathies. Identifiers: Orphanet 167848, MedGen C0878544, MONDO:0004994, HP:0001638. Inheritance: Various modes of inheritance.
Dilated cardiomyopathy 1S (CMD1S). Identifiers: Orphanet 154, Orphanet 54260, MedGen C1834481, MONDO:0013262, OMIM 613426.
Hypertrophic cardiomyopathy. Also called: HYPERTROPHIC MYOCARDIOPATHY. Identifiers: Orphanet 217569, MedGen C0007194, MeSH D002312, MONDO:0005045, HP:0001639.

Allele frequency attached by ClinVar (database versions not stated): gnomAD 0.00001; gnomAD exomes 0.00001 and 0.00002; TOPMed 0.00001; ExAC 0.00002; 1000 Genomes Project 30x 0.00016; 1000 Genomes Project 0.00020.

Submissions (5):

Genomic Medicine Center of Excellence, King Faisal Specialist Hospital and Research Centre
Classification: Uncertain significance for Myosin storage myopathy. Last evaluated: 2025-09-10. Review status: criteria provided, single submitter. Criteria: ACMG Guidelines, 2015. Collection method: clinical testing. Allele origin: germline.

Color Diagnostics, LLC DBA Color Health
Classification: Uncertain significance for Cardiomyopathy. Last evaluated: 2025-07-15. Review status: criteria provided, single submitter. Criteria: ACMG Guidelines, 2015. Collection method: clinical testing. Allele origin: germline.
Comment: This missense variant replaces methionine with isoleucine at codon 1046 of the MYH7 protein. Computational prediction is inconclusive regarding the impact of this variant on protein structure and function. To our knowledge, functional studies have not been reported for this variant. This variant has been reported in an individual affected with hypertrophic cardiomyopathy (PMID: 27532257). This variant has been identified in 3/251482 chromosomes in the general population by the Genome Aggregation Database (gnomAD). The available evidence is insufficient to determine the role of this variant in disease conclusively. Therefore, this variant is classified as a Variant of Uncertain Significance.

Labcorp Genetics (formerly Invitae), Labcorp
Classification: Uncertain significance for Hypertrophic cardiomyopathy. Last evaluated: 2024-04-08. Review status: criteria provided, single submitter. Criteria: Invitae Variant Classification Sherloc (09022015). Collection method: clinical testing. Allele origin: germline.
Comment: This sequence change replaces methionine, which is neutral and non-polar, with isoleucine, which is neutral and non-polar, at codon 1046 of the MYH7 protein (p.Met1046Ile). This variant is present in population databases (rs201195256, gnomAD 0.0009%). This missense change has been observed in individual(s) with hypertrophic cardiomyopathy (PMID: 27532257). ClinVar contains an entry for this variant (Variation ID: 228907). Advanced modeling of protein sequence and biophysical properties (such as structural, functional, and spatial information, amino acid conservation, physicochemical variation, residue mobility, and thermodynamic stability) performed at Invitae indicates that this missense variant is expected to disrupt MYH7 protein function with a positive predictive value of 95%. In summary, the available evidence is currently insufficient to determine the role of this variant in disease. Therefore, it has been classified as a Variant of Uncertain Significance.

Baylor Genetics
Classification: Uncertain significance for Dilated cardiomyopathy 1S. Last evaluated: 2020-05-05. Review status: criteria provided, single submitter. Criteria: ACMG Guidelines, 2015. Collection method: clinical testing. Allele origin: unknown. Affected: yes.
Comment: This variant was determined to be of uncertain significance according to ACMG Guidelines, 2015 [PMID:25741868].

Laboratory for Molecular Medicine, Mass General Brigham Personalized Medicine
Classification: Uncertain significance. Last evaluated: 2015-04-13. Review status: criteria provided, single submitter. Criteria: LMM Criteria. Collection method: clinical testing. Allele origin: germline. Observed: 1 variant allele.
Comment: Variant classified as Uncertain Significance - Favor Pathogenic. The p.Met1046Il e variant in MYH7 has not been previously reported in individuals with cardiomyo pathy, but has been identified in 3/66740 European chromosomes by the Exome Aggr egation Consortium (ExAC; dbSNP rs201195256). Me thionine (Met) at position 1046 is highly conserved in mammals and is moderately conserved across evolutionarily distant species and the change to isoleucine (I le) was predicted to be pathogenic using a computational tool clinically validat ed by our laboratory. This tool's pathogenic prediction is estimated to be corre ct 94% of the time (Jordan 2011). In summary, while there is some suspicion for a pathogenic role, the clinical significance of the p.Met1046Ile variant is unce rtain.

Literature cited by the submitters: PubMed 27532257 (cited by Color Diagnostics, LLC DBA Color Health and Labcorp Genetics (formerly Invitae), Labcorp).